The following is an entry in ClinVar:

ClinVar aggregate classification (germline): Benign. Review status: criteria provided, multiple submitters, no conflicts (2 of 4 stars). 2 submissions from 2 submitters: Benign (2). Last evaluated 2025-05-25.

Conditions:
DNAH10-related disorder. Also called: DNAH10-related condition.

Allele frequency attached by ClinVar (database versions not stated): gnomAD exomes 0.00046 and 0.00108; ExAC 0.00121; 1000 Genomes Project 0.00419; ESP Exome Variant Server 0.00426; 1000 Genomes Project 30x 0.00437; gnomAD 0.00460 and 0.00504; TOPMed 0.00549.
gnomAD v4.1: 1,432 of 1,612,744 alleles (0.089%); highest among the groups gnomAD compares: African/African-American, 1.6%; 11 homozygotes.

Submissions (2):

PreventionGenetics, part of Exact Sciences
Classification: Benign for DNAH10-related condition. Last evaluated: 2025-05-25. Review status: criteria provided, single submitter. Criteria: ACMG Guidelines, 2015. Collection method: clinical testing. Allele origin: germline.
Comment: This variant is classified as benign based on ACMG/AMP sequence variant interpretation guidelines (Richards et al. 2015 PMID: 25741868, with internal and published modifications).

Labcorp Genetics (formerly Invitae), Labcorp
Classification: Benign. Last evaluated: 2019-01-08. Review status: criteria provided, single submitter. Criteria: Invitae Variant Classification Sherloc (09022015). Collection method: clinical testing. Allele origin: germline.

NM_001372106.1(DNAH10):c.477C>T (p.Asn159=)

Gene: DNAH10 (dynein axonemal heavy chain 10; plus strand). Cytogenetic location: 12q24.31.
Variant type: single nucleotide variant.
Coding change: c.477C>T on transcript NM_001372106.1 (MANE Select); coding-DNA position 477, C replaced by T.
Protein change: p.Asn159=; no amino-acid change (asparagine 159 retained).
Molecular consequence: synonymous variant.
Genome position (GRCh38, 1-based): chr12:123,772,914, C>T. VCF-style: chr12-123772914-C-T. GRCh37 (hg19) VCF-style: chr12-124257461-C-T.
Other names: c.294C>T, p.Asn98= (NM_207437.3).
Identifiers: ClinVar variation 787937 (VCV000787937.4), dbSNP rs147457213, ClinGen allele CA6862447.